The following is an entry in ClinVar:

ClinVar aggregate classification (germline): Likely benign. Review status: reviewed by expert panel (3 of 4 stars). 3 submissions from 3 submitters: Likely benign (1). 2 of the submissions do not count toward it. Last evaluated 2023-01-12.

Conditions:
Monogenic diabetes. Identifiers: Orphanet 183625, MedGen C3888631, MONDO:0015967.
Maturity-onset diabetes of the young (MODY). Also called: Maturity onset diabetes mellitus in young. Identifiers: Orphanet 552, MedGen C0342276, MONDO:0018911, HP:0004904.

Allele frequency attached by ClinVar (database versions not stated): ExAC 0.00005; TOPMed 0.00005; gnomAD 0.00006.
gnomAD v4.1: 78 of 1,613,954 alleles (0.0048%); highest among the groups gnomAD compares: Non-Finnish European, 0.0059%; no homozygotes.

Submissions (3):

ClinGen Monogenic Diabetes Variant Curation Expert Panel
Classification: Likely benign for Monogenic diabetes. Last evaluated: 2023-01-12. Review status: reviewed by expert panel. Criteria: MDEP HNF4A Specificiations 1.0.0. Collection method: curation. Allele origin: germline. Inheritance: Autosomal dominant inheritance.
Comment: The c.1293C>T variant in the hepatocyte nuclear factor 4 alpha gene, HNF4A, is a synonymous (silent) variant at codon 431 (p.(Val431=)) of NM_175914.5. This variant is not predicted by SpliceAI to impact splicing (SpliceAI scores less than the MDEP cutoff of 0.2) and is not highly conserved (phyloP100way score of -0.754, which is below the MDEP cutoff of 2.0) (BP4, BP7). This variant has a Popmax Filtering allele frequency in gnomAD 2.1.1 of 0.00006015, which is greater than the MDEP threshold for BS1 (greater than 0.000033) (BS1). In summary, c. 1293C>T meets the criteria to be classified as likely benign for monogenic diabetes. ACMG/AMP criteria applied, as specified by the ClinGen MDEP VCEP (specification version 1.0, approved 11/16/22): BS1, BP4, BP7, PP4.

Women's Health and Genetics/Laboratory Corporation of America, LabCorp
Classification: Benign. Last evaluated: 2024-10-07. Review status: criteria provided, single submitter. Criteria: LabCorp Variant Classification Summary - May 2015. Collection method: clinical testing. Allele origin: germline. Not counted in ClinVar's aggregate classification.

Ambry Genetics
Classification: Likely benign for Maturity-onset diabetes of the young. Last evaluated: 2020-04-12. Review status: criteria provided, single submitter. Criteria: Ambry Variant Classification Scheme 2023. Collection method: clinical testing. Allele origin: germline. Not counted in ClinVar's aggregate classification.

NM_175914.5(HNF4A):c.1293C>T (p.Val431=)

Gene: HNF4A (hepatocyte nuclear factor 4 alpha; plus strand). Cytogenetic location: 20q13.12.
Variant type: single nucleotide variant.
Coding change: c.1293C>T on transcript NM_175914.5 (MANE Select); coding-DNA position 1293, C replaced by T.
Protein change: p.Val431=; no amino-acid change (valine 431 retained).
Molecular consequence: synonymous variant.
Genome position (GRCh38, 1-based): chr20:44,429,599, C>T. VCF-style: chr20-44429599-C-T. GRCh37 (hg19) VCF-style: chr20-43058239-C-T.
Other names: NM_175914.5:c.1293C>T; c.1359C>T, p.Val453= (NM_000457.6); c.1263C>T, p.Val421= (NM_001030003.3); c.1338C>T, p.Val446= (NM_001258355.2); c.1254C>T, p.Val418= (NM_001287182.2); c.1284C>T, p.Val428= (NM_001287183.2); c.1329C>T, p.Val443= (NM_178849.3).
Identifiers: ClinVar variation 1769160 (VCV001769160.4), dbSNP rs748590780, ClinGen allele CA9870529.